The following is an entry in ClinVar:

NM_003632.3(CNTNAP1):c.2509T>C (p.Tyr837His)

Gene: CNTNAP1 (contactin associated protein 1; plus strand). Cytogenetic location: 17q21.2.
Variant type: single nucleotide variant.
Coding change: c.2509T>C on transcript NM_003632.3 (MANE Select); coding-DNA position 2509, T replaced by C.
Protein change: p.Tyr837His; replaces tyrosine 837 with histidine.
Molecular consequence: missense variant.
Genome position (GRCh38, 1-based): chr17:42,691,970, T>C. VCF-style: chr17-42691970-T-C. GRCh37 (hg19) VCF-style: chr17-40843988-T-C.
Other names: short protein forms Y837H.
Identifiers: ClinVar variation 2511731 (VCV002511731.5), dbSNP rs376464742, ClinGen allele CA8582067.

ClinVar aggregate classification (germline): Uncertain significance. Review status: criteria provided, multiple submitters, no conflicts (2 of 4 stars). 2 submissions from 2 submitters: Uncertain significance (2). Last evaluated 2026-09-22.

Conditions:
Inborn genetic diseases. Identifiers: MedGen C0950123, MeSH D030342.

Allele frequency attached by ClinVar (database versions not stated): ExAC 0.00003; gnomAD 0.00005; TOPMed 0.00003; gnomAD exomes 0.00015; ESP Exome Variant Server 0.00008.
gnomAD v4.1: 214 of 1,613,860 alleles (0.013%); highest among the groups gnomAD compares: Non-Finnish European, 0.018%; no homozygotes.

Submissions (2):

GeneDx
Classification: Uncertain significance. Last evaluated: 2026-09-22. Review status: criteria provided, single submitter. Criteria: GeneDx Variant Classification Process June 2021. Collection method: clinical testing. Allele origin: germline.
Comment: Not observed at significant frequency in large population cohorts (gnomAD); In silico analysis supports that this missense variant has a deleterious effect on protein structure/function; Has not been previously published as pathogenic or benign to our knowledge

Ambry Genetics
Classification: Uncertain significance for Inborn genetic diseases. Last evaluated: 2025-08-23. Review status: criteria provided, single submitter. Criteria: Ambry Variant Classification Scheme 2023. Collection method: clinical testing. Allele origin: germline.